The following is an entry in ClinVar:

ClinVar aggregate classification (germline): Uncertain significance (1 of 4 stars; one submission).

Submission:

Ambry Genetics
Classification: Uncertain significance. Last evaluated: 2025-06-02. Review status: criteria provided, single submitter. Criteria: Ambry Variant Classification Scheme 2023. Collection method: clinical testing. Allele origin: germline.
Comment: The p.L1210F variant (also known as c.3630G>C), located in coding exon 13 of the CDK12 gene, results from a G to C substitution at nucleotide position 3630. The leucine at codon 1210 is replaced by phenylalanine, an amino acid with highly similar properties. This amino acid position is conserved. In addition, this alteration is predicted to be tolerated by in silico analysis. Based on the available evidence, the clinical significance of this variant remains unclear.

NM_016507.4(CDK12):c.3630G>C (p.Leu1210Phe)

Gene: CDK12 (cyclin dependent kinase 12; plus strand). Cytogenetic location: 17q12.
Variant type: single nucleotide variant.
Coding change: c.3630G>C on transcript NM_016507.4 (MANE Select); coding-DNA position 3630, G replaced by C.
Protein change: p.Leu1210Phe; replaces leucine 1210 with phenylalanine.
Molecular consequence: missense variant.
Genome position (GRCh38, 1-based): chr17:39,526,186, G>C. VCF-style: chr17-39526186-G-C. GRCh37 (hg19) VCF-style: chr17-37682439-G-C.
Other names: c.3630G>C, p.Leu1210Phe (NM_015083.4); short protein forms L1210F.
Identifiers: ClinVar variation 3999524 (VCV003999524.1).